The following is an entry in ClinVar:

ClinVar aggregate classification (germline): Likely benign (1 of 4 stars; one submission).

gnomAD v4.1: 21 of 1,581,064 alleles (0.0013%); highest among the groups gnomAD compares: South Asian, 0.017%; no homozygotes.

Submission:

CeGaT Center for Human Genetics Tuebingen
Classification: Likely benign. Last evaluated: 2026-06-01. Review status: criteria provided, single submitter. Criteria: CeGaT Center For Human Genetics Tuebingen Variant Classification Criteria Version 2. Collection method: clinical testing. Allele origin: germline. Affected: yes. Observed: 1 variant allele.
Comment: IGFALS: BP4, BP7

NM_004970.3(IGFALS):c.1638G>A (p.Ala546=)

Gene: IGFALS (insulin like growth factor binding protein acid labile subunit; minus strand). Cytogenetic location: 16p13.3.
Variant type: single nucleotide variant.
Coding change: c.1638G>A on transcript NM_004970.3 (MANE Select); coding-DNA position 1638, G replaced by A.
Protein change: p.Ala546=; no amino-acid change (alanine 546 retained).
Molecular consequence: synonymous variant. On other transcripts: non-coding transcript variant (1).
Genome position (GRCh38, 1-based): chr16:1,790,780, C>T on the plus strand (G>A on the coding strand, the complement: IGFALS is on the minus strand). VCF-style: chr16-1790780-C-T. GRCh37 (hg19) VCF-style: chr16-1840781-C-T.
Other names: c.1752G>A, p.Ala584= (NM_001146006.2).
Identifiers: ClinVar variation 4873568 (VCV004873568.2).